The following is an entry in ClinVar:

NM_000152.5(GAA):c.995C>A (p.Ser332Ter)

Gene: GAA (alpha glucosidase; plus strand). Cytogenetic location: 17q25.3.
Variant type: single nucleotide variant.
Coding change: c.995C>A on transcript NM_000152.5 (MANE Select); coding-DNA position 995, C replaced by A.
Protein change: p.Ser332Ter; replaces serine 332 with a stop codon.
Molecular consequence: nonsense.
Genome position (GRCh38, 1-based): chr17:80,108,329, C>A. VCF-style: chr17-80108329-C-A. GRCh37 (hg19) VCF-style: chr17-78082128-C-A.
Other names: c.995C>A (NM_000152.4); c.995C>A, p.Ser332Ter (NM_001079803.3, NM_001079804.3); short protein forms S332*.
Identifiers: ClinVar variation 1322953 (VCV001322953.6), dbSNP rs757608620, ClinGen allele CA401364516.

ClinVar aggregate classification (germline): Pathogenic/Likely pathogenic. Review status: criteria provided, multiple submitters, no conflicts (2 of 4 stars). 3 submissions from 3 submitters: Pathogenic (2); Likely pathogenic (1). Last evaluated 2024-05-23.

Conditions:
Glycogen storage disease, type II (IOPD). Also called: POMPE DISEASE, INFANTILE-ONSET; GLYCOGEN STORAGE DISEASE II, INFANTILE-ONSET; ACID ALPHA-GLUCOSIDASE DEFICIENCY, INFANTILE-ONSET; GAA DEFICIENCY, INFANTILE-ONSET; ACID MALTASE DEFICIENCY, INFANTILE-ONSET; Glycogen storage disease type 2. Identifiers: Orphanet 365, MedGen C0017921, MONDO:0009290, OMIM 232300.

Submissions (3):

Natera, Inc.
Classification: Likely pathogenic for Glycogen storage disease type II. Last evaluated: 2024-05-23. Review status: criteria provided, single submitter. Criteria: Natera Variant Classification Schema (03/2026). Collection method: clinical testing. Allele origin: germline.
Comment: The c.995C>A variant in GAA is a nonsense variant predicted to introduce a stop codon at amino acid 332. This variant is expected to result in nonsense mediated decay, truncation, or a dysfunctional protein product. This variant is rare in the general population with a frequency below the threshold expected for the associated phenotype(s). Given the available evidence, this variant is classified as Likely Pathogenic.

Myriad Genetics, Inc.
Classification: Pathogenic for Glycogen storage disease, type II. Last evaluated: 2024-01-06. Review status: criteria provided, single submitter. Criteria: Myriad Autosomal Dominant, Autosomal Recessive and X-Linked Classification Criteria (2023). Collection method: clinical testing. Allele origin: unknown.
Comment: NM_000152.3(GAA):c.995C>A(S332*) is expected to be pathogenic in the context of Pompe disease. This variant is predicted to lead to an abnormal or absent protein product due to the creation of a premature termination codon in GAA, a gene where loss-of-function variants are known to be pathogenic. Please note: this variant was assessed in the context of healthy population screening.

Revvity Omics, Revvity
Classification: Pathogenic. Last evaluated: 2020-03-31. Review status: criteria provided, single submitter. Criteria: ACMG Guidelines, 2015. Collection method: clinical testing. Allele origin: germline.